The following is an entry in ClinVar:

ClinVar aggregate classification (germline): Uncertain significance (1 of 4 stars; one submission).

Conditions:
Inborn genetic diseases. Identifiers: MedGen C0950123, MeSH D030342.

Allele frequency attached by ClinVar (database versions not stated): gnomAD exomes below 0.00001.
gnomAD v4.1: 1 of 1,614,086 alleles (0.000062%); highest among the groups gnomAD compares: Admixed American, 0.0017%; no homozygotes.

Submission:

Ambry Genetics
Classification: Uncertain significance for Inborn genetic diseases. Last evaluated: 2026-07-20. Review status: criteria provided, single submitter. Criteria: Ambry Variant Classification Scheme 2023. Collection method: clinical testing. Allele origin: germline.
Comment: The c.1012G>T (p.V338F) alteration is located in exon 5 (coding exon 3) of the CTCF gene. This alteration results from a G to T substitution at nucleotide position 1012, causing the valine (V) at amino acid position 338 to be replaced by a phenylalanine (F). This variant was not reported in population-based cohorts in the Genome Aggregation Database (gnomAD). This amino acid position is highly conserved in available vertebrate species. This missense variant is located in a region that has a low rate of benign missense variation (Lek, 2016; Firth, 2009). The in silico prediction for this alteration is inconclusive. Based on insufficient or conflicting evidence, the clinical significance of this alteration remains unclear.

NM_006565.4(CTCF):c.1012G>T (p.Val338Phe)

Gene: CTCF (CCCTC-binding factor; plus strand). Cytogenetic location: 16q22.1.
Variant type: single nucleotide variant.
Coding change: c.1012G>T on transcript NM_006565.4 (MANE Select); coding-DNA position 1012, G replaced by T.
Protein change: p.Val338Phe; replaces valine 338 with phenylalanine.
Molecular consequence: missense variant.
Genome position (GRCh38, 1-based): chr16:67,616,804, G>T. VCF-style: chr16-67616804-G-T. GRCh37 (hg19) VCF-style: chr16-67650707-G-T.
Other names: c.28G>T, p.Val10Phe (NM_001191022.2); c.1012G>T, p.Val338Phe (NM_001363916.2); short protein forms V338F, V10F.
Identifiers: ClinVar variation 522091 (VCV000522091.5), dbSNP rs1555534827, ClinGen allele CA396312181.